The following is an entry in ClinVar:

ClinVar aggregate classification (germline): Uncertain significance (1 of 4 stars; one submission).

Conditions:
Ullrich congenital muscular dystrophy 2 (UCMD2). Identifiers: Orphanet 75840, MedGen C4225314, MONDO:0014654, OMIM 616470.
Bethlem myopathy 2 (BTHLM2). Identifiers: Orphanet 536516, Orphanet 610, MedGen C4225313, MONDO:0034022, OMIM 616471.

Submission:

Labcorp Genetics (formerly Invitae), Labcorp
Classification: Uncertain significance for Bethlem myopathy 2; Ullrich congenital muscular dystrophy 2. Last evaluated: 2023-09-13. Review status: criteria provided, single submitter. Criteria: Invitae Variant Classification Sherloc (09022015). Collection method: clinical testing. Allele origin: germline.
Comment: This sequence change replaces leucine, which is neutral and non-polar, with valine, which is neutral and non-polar, at codon 1549 of the COL12A1 protein (p.Leu1549Val). This variant is not present in population databases (gnomAD no frequency). This variant has not been reported in the literature in individuals affected with COL12A1-related conditions. Advanced modeling of protein sequence and biophysical properties (such as structural, functional, and spatial information, amino acid conservation, physicochemical variation, residue mobility, and thermodynamic stability) performed at Invitae indicates that this missense variant is not expected to disrupt COL12A1 protein function. In summary, the available evidence is currently insufficient to determine the role of this variant in disease. Therefore, it has been classified as a Variant of Uncertain Significance.

NM_004370.6(COL12A1):c.4645C>G (p.Leu1549Val)

Gene: COL12A1 (collagen type XII alpha 1 chain; minus strand). Cytogenetic location: 6q13.
Variant type: single nucleotide variant.
Coding change: c.4645C>G on transcript NM_004370.6 (MANE Select); coding-DNA position 4645, C replaced by G.
Protein change: p.Leu1549Val; replaces leucine 1549 with valine.
Molecular consequence: missense variant.
Genome position (GRCh38, 1-based): chr6:75,145,371, G>C on the plus strand (C>G on the coding strand, the complement: COL12A1 is on the minus strand). VCF-style: chr6-75145371-G-C. GRCh37 (hg19) VCF-style: chr6-75855087-G-C.
Other names: c.4645C>G, p.Leu1549Val (NM_001424114.1, NM_001424113.1); c.4372C>G, p.Leu1458Val (NM_001424115.1); c.1153C>G, p.Leu385Val (NM_080645.3, NM_001424116.1); short protein forms L1458V, L1549V, L385V.
Identifiers: ClinVar variation 2937835 (VCV002937835.3), dbSNP rs2533356715, ClinGen allele CA364742942.